The following is an entry in ClinVar:

NM_017763.6(RNF43):c.947T>C (p.Ile316Thr)

Gene: RNF43 (ring finger protein 43; minus strand). Cytogenetic location: 17q22.
Variant type: single nucleotide variant.
Coding change: c.947T>C on transcript NM_017763.6 (MANE Select); coding-DNA position 947, T replaced by C.
Protein change: p.Ile316Thr; replaces isoleucine 316 with threonine.
Molecular consequence: missense variant.
Genome position (GRCh38, 1-based): chr17:58,360,154, A>G on the plus strand (T>C on the coding strand, the complement: RNF43 is on the minus strand). VCF-style: chr17-58360154-A-G. GRCh37 (hg19) VCF-style: chr17-56437515-A-G.
Other names: c.947T>C, p.Ile316Thr (NM_001305544.3); c.566T>C, p.Ile189Thr (NM_001305545.2); short protein forms I316T, I189T.
Identifiers: ClinVar variation 3946923 (VCV003946923.1).

ClinVar aggregate classification (germline): Uncertain significance (1 of 4 stars; one submission).

Submission:

Ambry Genetics
Classification: Uncertain significance. Last evaluated: 2025-05-31. Review status: criteria provided, single submitter. Criteria: Ambry Variant Classification Scheme 2023. Collection method: clinical testing. Allele origin: germline.
Comment: The p.I316T variant (also known as c.947T>C), located in coding exon 7 of the RNF43 gene, results from a T to C substitution at nucleotide position 947. The isoleucine at codon 316 is replaced by threonine, an amino acid with similar properties. This amino acid position is conserved. In addition, this alteration is predicted to be deleterious by in silico analysis. Based on the available evidence, the clinical significance of this variant remains unclear.